The following is an entry in ClinVar:

ClinVar aggregate classification (germline): Uncertain significance. Review status: criteria provided, multiple submitters, no conflicts (2 of 4 stars). 2 submissions from 2 submitters: Uncertain significance (2). Last evaluated 2024-04-21.

Conditions:
Fanconi anemia (FA). Also called: Fanconi's anemia. Identifiers: Orphanet 84, MedGen C0015625, MeSH D005199, MONDO:0019391.

Submissions (2):

GeneDx
Classification: Uncertain significance. Last evaluated: 2024-04-21. Review status: criteria provided, single submitter. Criteria: GeneDx Variant Classification Process June 2021. Collection method: clinical testing. Allele origin: germline. Affected: yes.
Comment: Not observed at significant frequency in large population cohorts (gnomAD); In silico analysis supports that this missense variant has a deleterious effect on protein structure/function; Has not been previously published as pathogenic or benign to our knowledge

Labcorp Genetics (formerly Invitae), Labcorp
Classification: Uncertain significance for Fanconi anemia. Last evaluated: 2022-06-22. Review status: criteria provided, single submitter. Criteria: Invitae Variant Classification Sherloc (09022015). Collection method: clinical testing. Allele origin: germline.
Comment: This sequence change replaces arginine, which is basic and polar, with glycine, which is neutral and non-polar, at codon 261 of the FANCB protein (p.Arg261Gly). This variant is not present in population databases (gnomAD no frequency). This variant has not been reported in the literature in individuals affected with FANCB-related conditions. Algorithms developed to predict the effect of missense changes on protein structure and function output the following: SIFT: "Tolerated"; PolyPhen-2: "Benign"; Align-GVGD: "Class C0". The glycine amino acid residue is found in multiple mammalian species, which suggests that this missense change does not adversely affect protein function. In summary, the available evidence is currently insufficient to determine the role of this variant in disease. Therefore, it has been classified as a Variant of Uncertain Significance.

NM_001018113.3(FANCB):c.781C>G (p.Arg261Gly)

Gene: FANCB (FA complementation group B; minus strand). Cytogenetic location: Xp22.2.
Variant type: single nucleotide variant.
Coding change: c.781C>G on transcript NM_001018113.3 (MANE Select); coding-DNA position 781, C replaced by G.
Protein change: p.Arg261Gly; replaces arginine 261 with glycine.
Molecular consequence: missense variant.
Genome position (GRCh38, 1-based): chrX:14,864,730, G>C on the plus strand (C>G on the coding strand, the complement: FANCB is on the minus strand). VCF-style: chrX-14864730-G-C. GRCh37 (hg19) VCF-style: chrX-14882852-G-C.
Other names: c.781C>G, p.Arg261Gly (NM_001324162.2, NM_001410764.1, NM_152633.4); short protein forms R261G.
Identifiers: ClinVar variation 2036960 (VCV002036960.2), dbSNP rs2147445599, ClinGen allele CA412443723.